The following is an entry in ClinVar:

NM_213607.3(DNAAF19):c.144-1G>T

Gene: DNAAF19 (dynein axonemal assembly factor 19; plus strand). Cytogenetic location: 17q21.31.
Variant type: single nucleotide variant.
Coding change: c.144-1G>T on transcript NM_213607.3 (MANE Select); the canonical splice acceptor site of the intron before coding-DNA position 144, G replaced by T.
Molecular consequence: splice acceptor variant.
Genome position (GRCh38, 1-based): chr17:44,901,519, G>T. VCF-style: chr17-44901519-G-T. GRCh37 (hg19) VCF-style: chr17-42978887-G-T.
Other names: c.144-1G>T (NM_001258399.2, NM_001258397.3, NM_001258398.3 and 2 more transcripts).
Identifiers: ClinVar variation 2777293 (VCV002777293.2), dbSNP rs747091524, ClinGen allele CA8608292.

ClinVar aggregate classification (germline): Pathogenic (1 of 4 stars; one submission).

Conditions:
Primary ciliary dyskinesia. Also called: Ciliary dyskinesia. Identifiers: Orphanet 244, MedGen C0008780, MONDO:0016575, HP:0012265.

gnomAD v4.1: 2 of 1,614,032 alleles (0.00012%); highest among the groups gnomAD compares: Admixed American, 0.0017%; no homozygotes.

Submission:

Labcorp Genetics (formerly Invitae), Labcorp
Classification: Pathogenic for Primary ciliary dyskinesia. Last evaluated: 2023-10-06. Review status: criteria provided, single submitter. Criteria: Invitae Variant Classification Sherloc (09022015). Collection method: clinical testing. Allele origin: germline.
Comment: This sequence change affects an acceptor splice site in intron 2 of the CCDC103 gene. It is expected to disrupt RNA splicing. Variants that disrupt the donor or acceptor splice site typically lead to a loss of protein function (PMID: 16199547), and loss-of-function variants in CCDC103 are known to be pathogenic (PMID: 22581229, 30067075). This variant is present in population databases (rs747091524, gnomAD 0.003%). Disruption of this splice site has been observed in individual(s) with primary ciliary dyskinesia (PMID: 30067075; Invitae). Algorithms developed to predict the effect of sequence changes on RNA splicing suggest that this variant may disrupt the consensus splice site. For these reasons, this variant has been classified as Pathogenic.

Literature cited by the submitters: PubMed 16199547; PubMed 22581229; PubMed 30067075.